The following is an entry in ClinVar:

NM_030962.4(SBF2):c.970T>A (p.Ser324Thr)

Gene: SBF2 (SET binding factor 2; minus strand). Cytogenetic location: 11p15.4.
Variant type: single nucleotide variant.
Coding change: c.970T>A on transcript NM_030962.4 (MANE Select); coding-DNA position 970, T replaced by A.
Protein change: p.Ser324Thr; replaces serine 324 with threonine.
Molecular consequence: missense variant.
Genome position (GRCh38, 1-based): chr11:9,998,271, A>T on the plus strand (T>A on the coding strand, the complement: SBF2 is on the minus strand). VCF-style: chr11-9998271-A-T. GRCh37 (hg19) VCF-style: chr11-10019818-A-T.
Other names: c.970T>A, p.Ser324Thr (NM_001386339.1, NM_001386342.1); short protein forms S324T.
Identifiers: ClinVar variation 1767950 (VCV001767950.2), dbSNP rs2496157319, ClinGen allele CA379639447.

ClinVar aggregate classification (germline): Uncertain significance (1 of 4 stars; one submission).

Conditions:
Inborn genetic diseases. Identifiers: MedGen C0950123, MeSH D030342.

Submission:

Ambry Genetics
Classification: Uncertain significance for Inborn genetic diseases. Last evaluated: 2020-05-22. Review status: criteria provided, single submitter. Criteria: Ambry Variant Classification Scheme 2023. Collection method: clinical testing. Allele origin: germline.
Comment: The p.S324T variant (also known as c.970T>A), located in coding exon 9 of the SBF2 gene, results from a T to A substitution at nucleotide position 970. The serine at codon 324 is replaced by threonine, an amino acid with similar properties. This amino acid position is highly conserved in available vertebrate species. In addition, the in silico prediction for this alteration is inconclusive. Since supporting evidence is limited at this time, the clinical significance of this alteration remains unclear.